The following is an entry in ClinVar:

ClinVar aggregate classification (germline): Likely benign. Review status: criteria provided, single submitter (1 of 4 stars). 2 submissions from 2 submitters: Likely benign (1). 1 of the submissions does not count toward it. Last evaluated 2023-05-30.

Conditions:
KMT2D-related disorder. Also called: KMT2D-Related Disorders.
Kabuki syndrome. Also called: NIIKAWA-KUROKI SYNDROME; Kabuki make-up syndrome. Identifiers: Orphanet 2322, MedGen C0796004, MONDO:0016512.

Allele frequency attached by ClinVar (database versions not stated): gnomAD 0.00001 and 0.00002; TOPMed 0.00001; gnomAD exomes 0.00002 and 0.00001; 1000 Genomes Project 0.00020; 1000 Genomes Project 30x 0.00016; ExAC 0.00002.
gnomAD v4.1: 26 of 1,611,646 alleles (0.0016%); highest among the groups gnomAD compares: Admixed American, 0.0033%; no homozygotes.

Submissions (2):

Labcorp Genetics (formerly Invitae), Labcorp
Classification: Likely benign for Kabuki syndrome. Last evaluated: 2023-05-30. Review status: criteria provided, single submitter. Criteria: Invitae Variant Classification Sherloc (09022015). Collection method: clinical testing. Allele origin: germline.

PreventionGenetics, part of Exact Sciences
Classification: Likely benign for KMT2D-related condition. Last evaluated: 2023-04-14. Review status: no assertion criteria provided. Collection method: clinical testing. Allele origin: germline. Not counted in ClinVar's aggregate classification.
Comment: This variant is classified as likely benign based on ACMG/AMP sequence variant interpretation guidelines (Richards et al. 2015 PMID: 25741868, with internal and published modifications).

NM_003482.4(KMT2D):c.4742-5T>C

Gene: KMT2D (lysine methyltransferase 2D; minus strand). Cytogenetic location: 12q13.12.
Variant type: single nucleotide variant.
Coding change: c.4742-5T>C on transcript NM_003482.4 (MANE Select); 5 bases into the intron before coding-DNA position 4742, T replaced by C.
Molecular consequence: intron variant.
Genome position (GRCh38, 1-based): chr12:49,044,970, A>G on the plus strand (T>C on the coding strand, the complement: KMT2D is on the minus strand). VCF-style: chr12-49044970-A-G. GRCh37 (hg19) VCF-style: chr12-49438753-A-G.
Identifiers: ClinVar variation 738342 (VCV000738342.10), dbSNP rs201912948, ClinGen allele CA6547719.
Genomic context (GRCh38, chr12:49,044,970, plus strand): 5'-CAAGGCCATGCCAGTTTCTGTCAGCCACACACCTTCGAAGCGAAAGTACTGGGGCTCTGC[A>G]TAAGAGGAAAGAGTATGTGATCCCTGGATGGAAGCCCCAGGGAAACCAGAACTGCAAGTT-3'